The following is an entry in ClinVar:

ClinVar aggregate classification (germline): Uncertain significance (1 of 4 stars; one submission).

Conditions:
Cardiomyopathy (CMYO). Also called: Cardiomyopathies. Identifiers: Orphanet 167848, MedGen C0878544, MONDO:0004994, HP:0001638. Inheritance: Various modes of inheritance.

Submission:

All of Us Research Program, National Institutes of Health
Classification: Uncertain significance for Cardiomyopathy. Last evaluated: 2024-09-23. Review status: criteria provided, single submitter. Criteria: ACMG Guidelines, 2015. Collection method: clinical testing. Allele origin: germline. Inheritance: Autosomal dominant inheritance. Observed: 1 variant allele, 1 heterozygote.
Comment: This study involves interpretation of variants in research participants for the purpose of population health screening. Participant phenotype was not available at the time of variant classification. Additional details can be found in publication PMID: 35346344, PMCID: PMC8962531

NM_000257.4(MYH7):c.3776A>G (p.His1259Arg)

Gene: MYH7 (myosin heavy chain 7; minus strand). Cytogenetic location: 14q11.2.
Variant type: single nucleotide variant.
Coding change: c.3776A>G on transcript NM_000257.4 (MANE Select); coding-DNA position 3776, A replaced by G.
Protein change: p.His1259Arg; replaces histidine 1259 with arginine.
Molecular consequence: missense variant.
Genome position (GRCh38, 1-based): chr14:23,419,560, T>C on the plus strand (A>G on the coding strand, the complement: MYH7 is on the minus strand). VCF-style: chr14-23419560-T-C. GRCh37 (hg19) VCF-style: chr14-23888769-T-C.
Other names: c.3776A>G, p.His1259Arg (NM_001407004.1); short protein forms H1259R.
Identifiers: ClinVar variation 3387308 (VCV003387308.1).
Genomic context (GRCh38, chr14:23,419,560, plus strand): 5'-TTGGCCCGCTGGCTGGTGAGGTCGTTGACAGAACGCTGGGTCTCCTCCGCCTTGCTCCGG[T>C]GCTCATTCATCTGGTCTTCCAAGGTCCGGCACATCTTCTCCAGGTTAGCCTGAGAAGGGA-3'
Protein context (NP_000248.2, residues 1249-1269): CRTLEDQMNE[His1259Arg]RSKAEETQRS